The following is an entry in ClinVar:

ClinVar aggregate classification (germline): Pathogenic. Review status: criteria provided, single submitter (1 of 4 stars). 2 submissions from 2 submitters: Pathogenic (1). 1 of the submissions does not count toward it. Last evaluated 2019-01-23.

Conditions:
Junctional epidermolysis bullosa gravis of Herlitz. Also called: EPIDERMOLYSIS BULLOSA, JUNCTIONAL 1B, SEVERE; Herlitz-type junctional epidermolysis bullosa; EPIDERMOLYSIS BULLOSA JUNCTIONALIS, HERLITZ TYPE; EPIDERMOLYSIS BULLOSA, JUNCTIONAL, HERLITZ-PEARSON TYPE; JEB-HERLITZ TYPE; Epidermolysis Bullosa Letalis. Identifiers: Orphanet 79404, MedGen C0079683, MONDO:0009182, OMIM 226700.

Submissions (2):

GeneDx
Classification: Pathogenic. Last evaluated: 2019-01-23. Review status: criteria provided, single submitter. Criteria: GeneDx Variant Classification (06012015). Collection method: clinical testing. Allele origin: germline. Affected: yes.
Comment: The Q750X variant has not been published as a pathogenic variant, nor has it been reported as a benign variant to our knowledge. The variant is not observed in large population cohorts (Lek et al., 2016). It is predicted to cause loss of normal protein function either through protein truncation or nonsense-mediated mRNA decay. We interpret this variant as pathogenic.

Counsyl
Classification: Likely pathogenic for Junctional epidermolysis bullosa gravis of Herlitz. Last evaluated: 2017-04-20. Review status: no assertion criteria provided. Collection method: clinical testing. Allele origin: unknown. Not counted in ClinVar's aggregate classification.

NM_198129.4(LAMA3):c.7075C>T (p.Gln2359Ter)

Gene: LAMA3 (laminin subunit alpha 3; plus strand). Cytogenetic location: 18q11.2.
Variant type: single nucleotide variant.
Coding change: c.7075C>T on transcript NM_198129.4 (MANE Select); coding-DNA position 7075, C replaced by T.
Protein change: p.Gln2359Ter; replaces glutamine 2359 with a stop codon.
Molecular consequence: nonsense.
Genome position (GRCh38, 1-based): chr18:23,909,212, C>T. VCF-style: chr18-23909212-C-T. GRCh37 (hg19) VCF-style: chr18-21489176-C-T.
Other names: c.2248C>T, p.Gln750Ter (NM_000227.6); c.6907C>T, p.Gln2303Ter (NM_001127717.4); c.2080C>T, p.Gln694Ter (NM_001127718.4); short protein forms Q750*, Q2359*, Q2303*, Q694*.
Identifiers: ClinVar variation 551628 (VCV000551628.2), dbSNP rs1555735252, ClinGen allele CA402054152.